The following is an entry in ClinVar:

NM_017950.4(CCDC40):c.29+5G>A

Gene: CCDC40 (coiled-coil domain 40 molecular ruler complex subunit; plus strand). Cytogenetic location: 17q25.3.
Variant type: single nucleotide variant.
Coding change: c.29+5G>A on transcript NM_017950.4 (MANE Select); 5 bases into the intron after coding-DNA position 29, G replaced by A.
Molecular consequence: intron variant.
Genome position (GRCh38, 1-based): chr17:80,036,696, G>A. VCF-style: chr17-80036696-G-A. GRCh37 (hg19) VCF-style: chr17-78010495-G-A.
Other names: c.29+5G>A (NM_001243342.2, NM_001330508.2).
Identifiers: ClinVar variation 1478470 (VCV001478470.6), dbSNP rs934195206, ClinGen allele CA294873767.
Genomic context (GRCh38, chr17:80,036,696, plus strand): 5'-GTTGACAGCGTCGCCTAGCAACGGGAAATGGCGGAACCGGGCGGCGCGGCGGGCCGGTAA[G>A]CCGGGCCGAGGGGCAGCGGGTCTTGGAGTCGCCAGGCCGCGCTCTCCGTTCACCGCTCCA-3'

ClinVar aggregate classification (germline): Uncertain significance (1 of 4 stars; one submission).

Conditions:
Primary ciliary dyskinesia. Also called: Ciliary dyskinesia. Identifiers: Orphanet 244, MedGen C0008780, MONDO:0016575, HP:0012265.

Allele frequency attached by ClinVar (database versions not stated): gnomAD exomes below 0.00001; gnomAD 0.00001; TOPMed 0.00002.
gnomAD v4.1: 3 of 1,463,654 alleles (0.0002%); highest among the groups gnomAD compares: African/African-American, 0.0029%; no homozygotes.

Submission:

Labcorp Genetics (formerly Invitae), Labcorp
Classification: Uncertain significance for Primary ciliary dyskinesia. Last evaluated: 2021-06-26. Review status: criteria provided, single submitter. Criteria: Invitae Variant Classification Sherloc (09022015). Collection method: clinical testing. Allele origin: germline.
Comment: This sequence change falls in intron 1 of the CCDC40 gene. It does not directly change the encoded amino acid sequence of the CCDC40 protein. It affects a nucleotide within the consensus splice site of the intron. The frequency data for this variant in the population databases is considered unreliable, as metrics indicate insufficient coverage at this position in the ExAC database. This variant has been observed in individual(s) with primary ciliary dyskinesia (Invitae). Nucleotide substitutions within the consensus splice site are a relatively common cause of aberrant splicing (PMID: 17576681, 9536098). Algorithms developed to predict the effect of sequence changes on RNA splicing suggest that this variant may disrupt the consensus splice site. In summary, the available evidence is currently insufficient to determine the role of this variant in disease. Therefore, it has been classified as a Variant of Uncertain Significance.

Literature cited by the submitters: PubMed 17576681; PubMed 9536098.